The following is an entry in ClinVar:

ClinVar aggregate classification (germline): Uncertain significance. Review status: criteria provided, multiple submitters, no conflicts (2 of 4 stars). 3 submissions from 3 submitters: Uncertain significance (3). Last evaluated 2025-08-17.

Conditions:
Hereditary cancer-predisposing syndrome. Also called: Neoplastic Syndromes, Hereditary; Hereditary neoplastic syndrome; Tumor predisposition; Hereditary Cancer Syndrome. Identifiers: Orphanet 140162, MedGen C0027672, MeSH D009386, MONDO:0015356.
Hereditary pheochromocytoma and paraganglioma. Also called: Hereditary Paraganglioma-Pheochromocytoma Syndromes; Hereditary paragangliomas and pheochromocytomas; Hereditary pheochromocytoma-paraganglioma. Identifiers: Orphanet 29072, MedGen C4274332, MONDO:0017366.

Allele frequency attached by ClinVar (database versions not stated): gnomAD exomes below 0.00001 and 0.00001.

Submissions (3):

Color Diagnostics, LLC DBA Color Health
Classification: Uncertain significance for Hereditary pheochromocytoma and paraganglioma. Last evaluated: 2025-08-17. Review status: criteria provided, single submitter. Criteria: ACMG Guidelines, 2015. Collection method: clinical testing. Allele origin: germline.
Comment: This missense variant replaces proline with serine at codon 53 of the SDHAF2 protein. Computational prediction suggests that this variant may not impact protein structure and function. To our knowledge, functional studies have not been reported for this variant. This variant has not been reported in individuals affected with SDHAF2-related disorders in the literature. This variant has been identified in 2/251318 chromosomes in the general population by the Genome Aggregation Database (gnomAD). The available evidence is insufficient to determine the role of this variant in disease conclusively. Therefore, this variant is classified as a Variant of Uncertain Significance.

Labcorp Genetics (formerly Invitae), Labcorp
Classification: Uncertain significance for Hereditary pheochromocytoma and paraganglioma. Last evaluated: 2025-01-06. Review status: criteria provided, single submitter. Criteria: Invitae Variant Classification Sherloc (09022015). Collection method: clinical testing. Allele origin: germline.
Comment: This sequence change replaces proline, which is neutral and non-polar, with serine, which is neutral and polar, at codon 53 of the SDHAF2 protein (p.Pro53Ser). This variant is present in population databases (no rsID available, gnomAD 0.002%). This variant has not been reported in the literature in individuals affected with SDHAF2-related conditions. ClinVar contains an entry for this variant (Variation ID: 411603). An algorithm developed to predict the effect of missense changes on protein structure and function (PolyPhen-2) suggests that this variant is likely to be disruptive. In summary, the available evidence is currently insufficient to determine the role of this variant in disease. Therefore, it has been classified as a Variant of Uncertain Significance.

Ambry Genetics
Classification: Uncertain significance for Hereditary cancer-predisposing syndrome. Last evaluated: 2024-11-18. Review status: criteria provided, single submitter. Criteria: Ambry Variant Classification Scheme 2023. Collection method: clinical testing. Allele origin: germline.
Comment: The p.P53S variant (also known as c.157C>T), located in coding exon 2 of the SDHAF2 gene, results from a C to T substitution at nucleotide position 157. The proline at codon 53 is replaced by serine, an amino acid with similar properties. This amino acid position is highly conserved in available vertebrate species. In addition, the in silico prediction for this alteration is inconclusive. Since supporting evidence is limited at this time, the clinical significance of this alteration remains unclear.

NM_017841.4(SDHAF2):c.157C>T (p.Pro53Ser)

Gene: SDHAF2 (succinate dehydrogenase complex assembly factor 2; plus strand). Cytogenetic location: 11q12.2.
Variant type: single nucleotide variant.
Coding change: c.157C>T on transcript NM_017841.4 (MANE Select); coding-DNA position 157, C replaced by T.
Protein change: p.Pro53Ser; replaces proline 53 with serine.
Molecular consequence: missense variant.
Genome position (GRCh38, 1-based): chr11:61,437,745, C>T. VCF-style: chr11-61437745-C-T. GRCh37 (hg19) VCF-style: chr11-61205217-C-T.
Other names: short protein forms P53S.
Identifiers: ClinVar variation 411603 (VCV000411603.14), dbSNP rs1060503390, ClinGen allele CA16613649.